The following is an entry in ClinVar:

ClinVar aggregate classification (germline): Pathogenic (1 of 4 stars; one submission).

Conditions:
X-linked myopathy with postural muscle atrophy. Also called: FHL1-Related Emery-Dreifuss Muscular Dystrophy, X-Linked. Identifiers: Orphanet 178461, MedGen C2678055, MONDO:0010401, OMIM 300696.

Submission:

Labcorp Genetics (formerly Invitae), Labcorp
Classification: Pathogenic for X-linked myopathy with postural muscle atrophy. Last evaluated: 2022-03-09. Review status: criteria provided, single submitter. Criteria: Invitae Variant Classification Sherloc (09022015). Collection method: clinical testing. Allele origin: germline.
Comment: This sequence change creates a premature translational stop signal (p.Cys65*) in the FHL1 gene. It is expected to result in an absent or disrupted protein product. Loss-of-function variants in FHL1 are known to be pathogenic (PMID: 18179888, 19687455, 19716112, 22523091, 24114807). For these reasons, this variant has been classified as Pathogenic. ClinVar contains an entry for this variant (Variation ID: 1071343). This variant has not been reported in the literature in individuals affected with FHL1-related conditions. This variant is not present in population databases (gnomAD no frequency).

Literature cited by the submitters: PubMed 18179888; PubMed 19687455; PubMed 19716112; PubMed 22523091; PubMed 24114807.

NM_001159699.2(FHL1):c.243C>A (p.Cys81Ter)

Gene: FHL1 (four and a half LIM domains 1; plus strand). Cytogenetic location: Xq26.3.
Variant type: single nucleotide variant.
Coding change: c.243C>A on transcript NM_001159699.2 (MANE Select); coding-DNA position 243, C replaced by A.
Protein change: p.Cys81Ter; replaces cysteine 81 with a stop codon.
Molecular consequence: nonsense. On other transcripts: non-coding transcript variant (1).
Genome position (GRCh38, 1-based): chrX:136,207,054, C>A. VCF-style: chrX-136207054-C-A. GRCh37 (hg19) VCF-style: chrX-135289213-C-A.
Other names: c.195C>A, p.Cys65Ter (NM_001159700.2, NM_001159702.3, NM_001159703.2 and 9 more transcripts); c.282C>A, p.Cys94Ter (NM_001159701.2); c.243C>A, p.Cys81Ter (NM_001330659.2); short protein forms C65*, C81*, C94*.
Identifiers: ClinVar variation 1071343 (VCV001071343.7), dbSNP rs777580253, ClinGen allele CA414607967.
Genomic context (GRCh38, chrX:136,207,054, plus strand): 5'-ACCCTGTCTGCTTGGTTTCCAGGAGGTGCACTATAAGAACCGCTTCTGGCATGACACCTG[C>A]TTCCGCTGTGCCAAGTGCCTTCACCCCTTGGCCAATGAGACCTTTGTGGCCAAGGACAAC-3'